The following is an entry in ClinVar:

ClinVar aggregate classification (germline): Uncertain significance. Review status: criteria provided, multiple submitters, no conflicts (2 of 4 stars). 3 submissions from 3 submitters: Uncertain significance (2). 1 of the submissions does not count toward it. Last evaluated 2025-05-29.

Conditions:
IDUA-related disorder. Also called: IDUA-related condition.
Mucopolysaccharidosis type 1. Also called: IDUA deficiency; MPS I; Mucopolysaccharidosis Type I. Identifiers: Orphanet 579, MedGen C0023786, MONDO:0001586.

Allele frequency attached by ClinVar (database versions not stated): gnomAD exomes below 0.00001 and 0.00001; TOPMed below 0.00001.
gnomAD v4.1: 2 of 1,549,216 alleles (0.00013%); highest among the groups gnomAD compares: Admixed American, 0.002%; no homozygotes.

Submissions (3):

PreventionGenetics, part of Exact Sciences
Classification: Uncertain significance for IDUA-related condition. Last evaluated: 2025-05-29. Review status: criteria provided, single submitter. Criteria: ACMG Guidelines, 2015. Collection method: clinical testing. Allele origin: germline.
Comment: The IDUA c.1168A>G variant is predicted to result in the amino acid substitution p.Met390Val. To our knowledge, this variant has not been reported in the literature. This variant is reported in 0.0040% of alleles in individuals of Latino descent in gnomAD. At this time, the clinical significance of this variant is uncertain due to the absence of conclusive functional and genetic evidence.

Revvity Omics, Revvity
Classification: Uncertain significance. Last evaluated: 2020-07-30. Review status: criteria provided, single submitter. Criteria: ACMG Guidelines, 2015. Collection method: clinical testing. Allele origin: germline.

Natera, Inc.
Classification: Uncertain significance for Mucopolysaccharidosis type I. Last evaluated: 2020-08-19. Review status: no assertion criteria provided. Collection method: clinical testing. Allele origin: germline. Not counted in ClinVar's aggregate classification.

NM_000203.5(IDUA):c.1168A>G (p.Met390Val)

Gene: IDUA (alpha-L-iduronidase; plus strand). Cytogenetic location: 4p16.3.
Variant type: single nucleotide variant.
Coding change: c.1168A>G on transcript NM_000203.5 (MANE Select); coding-DNA position 1168, A replaced by G.
Protein change: p.Met390Val; replaces methionine 390 with valine.
Molecular consequence: missense variant. On other transcripts: non-coding transcript variant (1).
Genome position (GRCh38, 1-based): chr4:1,002,464, A>G. VCF-style: chr4-1002464-A-G. GRCh37 (hg19) VCF-style: chr4-996252-A-G.
Other names: c.772A>G, p.Met258Val (NM_001363576.1); c.1168A>G (NM_000203.4, NM_000203.3); short protein forms M258V, M390V.
Identifiers: ClinVar variation 990984 (VCV000990984.5), dbSNP rs1455637147, ClinGen allele CA355963463.